The following is an entry in ClinVar:

NM_000254.3(MTR):c.2758C>G (p.His920Asp)

Gene: MTR (5-methyltetrahydrofolate-homocysteine methyltransferase; plus strand). Cytogenetic location: 1q43.
Variant type: single nucleotide variant.
Coding change: c.2758C>G on transcript NM_000254.3 (MANE Select); coding-DNA position 2758, C replaced by G.
Protein change: p.His920Asp; replaces histidine 920 with aspartic acid.
Molecular consequence: missense variant.
Genome position (GRCh38, 1-based): chr1:236,885,202, C>G. VCF-style: chr1-236885202-C-G. GRCh37 (hg19) VCF-style: chr1-237048502-C-G.
Other names: c.2605C>G, p.His869Asp (NM_001291939.1); c.1537C>G, p.His513Asp (NM_001291940.2); short protein forms H920D, H513D, H869D.
Identifiers: ClinVar variation 14280 (VCV000014280.6), dbSNP rs121913579, ClinGen allele CA257195.

ClinVar aggregate classification (germline): Pathogenic. Review status: criteria provided, single submitter (1 of 4 stars). 2 submissions from 2 submitters: Pathogenic (1). 1 of the submissions does not count toward it. Last evaluated 2024-08-05.

Conditions:
Methylcobalamin deficiency type cblG (HMAG). Also called: Functional methionine synthase deficiency type cblG; HOMOCYSTINURIA-MEGALOBLASTIC ANEMIA DUE TO DEFECT IN COBALAMIN METABOLISM, cblG COMPLEMENTATION TYPE; HOMOCYSTINURIA-MEGALOBLASTIC ANEMIA, cblG COMPLEMENTATION TYPE; HOMOCYSTINURIA-MEGALOBLASTIC ANEMIA, cblG TYPE. Identifiers: Orphanet 2170, Orphanet 622, MedGen C1855128, MONDO:0009609, OMIM 250940.

Submissions (2):

Labcorp Genetics (formerly Invitae), Labcorp
Classification: Pathogenic for Methylcobalamin deficiency type cblG. Last evaluated: 2024-08-05. Review status: criteria provided, single submitter. Criteria: Invitae Variant Classification Sherloc (09022015). Collection method: clinical testing. Allele origin: germline.
Comment: This sequence change replaces histidine, which is basic and polar, with aspartic acid, which is acidic and polar, at codon 920 of the MTR protein (p.His920Asp). This variant is present in population databases (rs121913579, gnomAD 0.0009%). This missense change has been observed in individual(s) with cobalamin G deficiency and/or methionine synthase deficiency (PMID: 8968737, 34625984; Invitae). ClinVar contains an entry for this variant (Variation ID: 14280). Advanced modeling of protein sequence and biophysical properties (such as structural, functional, and spatial information, amino acid conservation, physicochemical variation, residue mobility, and thermodynamic stability) performed at Invitae indicates that this missense variant is expected to disrupt MTR protein function with a positive predictive value of 80%. For these reasons, this variant has been classified as Pathogenic.

OMIM
Classification: Pathogenic for HOMOCYSTINURIA-MEGALOBLASTIC ANEMIA, cblG COMPLEMENTATION TYPE. Last evaluated: 1996-12-01. Review status: no assertion criteria provided. Collection method: literature only. Allele origin: germline. Not counted in ClinVar's aggregate classification.

Literature cited by the submitters: PubMed 8968737 (cited by Labcorp Genetics (formerly Invitae), Labcorp and OMIM); PubMed 34625984 (cited by Labcorp Genetics (formerly Invitae), Labcorp).